The following is an entry in ClinVar:

ClinVar aggregate classification (germline): Likely benign. Review status: criteria provided, multiple submitters, no conflicts (2 of 4 stars). 3 submissions from 3 submitters: Likely benign (3). Last evaluated 2025-12-08.

Conditions:
Tremor, hereditary essential, 4 (ETM4). Identifiers: MedGen C3539195, MONDO:0013888, OMIM 614782.
Amyotrophic lateral sclerosis type 6. Also called: FUS-Related Amyotrophic Laterial Sclerosis; AMYOTROPHIC LATERAL SCLEROSIS 6 WITHOUT FRONTOTEMPORAL DEMENTIA; Amyotrophic lateral sclerosis 6, with or without frontotemporal dementia. Identifiers: Orphanet 275872, Orphanet 803, MedGen C2931786, MONDO:0011951, OMIM 608030.
FUS-related disorder. Also called: FUS-related condition.
Inborn genetic diseases. Identifiers: MedGen C0950123, MeSH D030342.

Allele frequency attached by ClinVar (database versions not stated): gnomAD exomes 0.00001 and 0.00003; gnomAD 0.00002; TOPMed 0.00002.
gnomAD v4.1: 49 of 1,614,030 alleles (0.003%); highest among the groups gnomAD compares: Non-Finnish European, 0.004%; no homozygotes.

Submissions (3):

Labcorp Genetics (formerly Invitae), Labcorp
Classification: Likely benign for Tremor, hereditary essential, 4; Amyotrophic lateral sclerosis type 6. Last evaluated: 2025-12-08. Review status: criteria provided, single submitter. Criteria: Invitae Variant Classification Sherloc (09022015). Collection method: clinical testing. Allele origin: germline.

PreventionGenetics, part of Exact Sciences
Classification: Likely benign for FUS-related condition. Last evaluated: 2025-05-06. Review status: criteria provided, single submitter. Criteria: ACMG Guidelines, 2015. Collection method: clinical testing. Allele origin: germline.
Comment: This variant is classified as likely benign based on ACMG/AMP sequence variant interpretation guidelines (Richards et al. 2015 PMID: 25741868, with internal and published modifications).

Ambry Genetics
Classification: Likely benign for Inborn genetic diseases. Last evaluated: 2019-10-23. Review status: criteria provided, single submitter. Criteria: Ambry Variant Classification Scheme 2023. Collection method: clinical testing. Allele origin: germline.

NM_004960.4(FUS):c.90T>C (p.Ser30=)

Gene: FUS (FUS RNA binding protein; plus strand). Cytogenetic location: 16p11.2.
Variant type: single nucleotide variant.
Coding change: c.90T>C on transcript NM_004960.4 (MANE Select); coding-DNA position 90, T replaced by C.
Protein change: p.Ser30=; no amino-acid change (serine 30 retained).
Molecular consequence: synonymous variant. On other transcripts: non-coding transcript variant (1).
Genome position (GRCh38, 1-based): chr16:31,182,564, T>C. VCF-style: chr16-31182564-T-C. GRCh37 (hg19) VCF-style: chr16-31193885-T-C.
Other names: c.90T>C, p.Ser30= (NM_001170634.1, NM_001170937.1).
Identifiers: ClinVar variation 736440 (VCV000736440.12), dbSNP rs1485377976, ClinGen allele CA494708694.
Genomic context (GRCh38, chr16:31,182,564, plus strand): 5'-TTTATTTAGCTATGGGGCCTACCCCACCCAGCCCGGGCAGGGCTATTCCCAGCAGAGCAG[T>C]CAGCCCTACGGACAGCAGAGTTACAGTGGTTATAGCCAGTCCACGGACACTTCAGGCTAT-3'
Protein context (NP_004951.1, residues 20-40): QPGQGYSQQS[Ser30=]QPYGQQSYSG